The following is an entry in ClinVar:

NM_021629.4(GNB4):c.724G>A (p.Ala242Thr)

Gene: GNB4 (G protein subunit beta 4; minus strand). Cytogenetic location: 3q26.33.
Variant type: single nucleotide variant.
Coding change: c.724G>A on transcript NM_021629.4 (MANE Select); coding-DNA position 724, G replaced by A.
Protein change: p.Ala242Thr; replaces alanine 242 with threonine.
Molecular consequence: missense variant.
Genome position (GRCh38, 1-based): chr3:179,405,382, C>T on the plus strand (G>A on the coding strand, the complement: GNB4 is on the minus strand). VCF-style: chr3-179405382-C-T. GRCh37 (hg19) VCF-style: chr3-179123170-C-T.
Other names: p.Ala242Thr; short protein forms A242T.
Identifiers: ClinVar variation 2059644 (VCV002059644.8), dbSNP rs751400013, ClinGen allele CA2712423.

ClinVar aggregate classification (germline): Conflicting classifications of pathogenicity. Review status: criteria provided, conflicting classifications (1 of 4 stars). 4 submissions from 4 submitters: Uncertain significance (3); Likely benign (1). Last evaluated 2026-06-01.

Conditions:
Inborn genetic diseases. Identifiers: MedGen C0950123, MeSH D030342.
Charcot-Marie-Tooth disease dominant intermediate F. Identifiers: Orphanet 352670, MedGen C4749463, MONDO:0014074, OMIM 615185.

Allele frequency attached by ClinVar (database versions not stated): gnomAD exomes 0.00001; gnomAD 0.00002; TOPMed 0.00002; ExAC 0.00003.
gnomAD v4.1: 24 of 1,611,950 alleles (0.0015%); highest among the groups gnomAD compares: Middle Eastern, 0.049%; no homozygotes.

Submissions (4):

CeGaT Center for Human Genetics Tuebingen
Classification: Uncertain significance. Last evaluated: 2026-06-01. Review status: criteria provided, single submitter. Criteria: CeGaT Center For Human Genetics Tuebingen Variant Classification Criteria Version 2. Collection method: clinical testing. Allele origin: germline. Affected: yes. Observed: 1 variant allele.

Labcorp Genetics (formerly Invitae), Labcorp
Classification: Uncertain significance for Charcot-Marie-Tooth disease dominant intermediate F. Last evaluated: 2024-03-20. Review status: criteria provided, single submitter. Criteria: Invitae Variant Classification Sherloc (09022015). Collection method: clinical testing. Allele origin: germline.
Comment: This sequence change replaces alanine, which is neutral and non-polar, with threonine, which is neutral and polar, at codon 242 of the GNB4 protein (p.Ala242Thr). This variant is present in population databases (rs751400013, gnomAD 0.01%). This variant has not been reported in the literature in individuals affected with GNB4-related conditions. ClinVar contains an entry for this variant (Variation ID: 2059644). Advanced modeling of protein sequence and biophysical properties (such as structural, functional, and spatial information, amino acid conservation, physicochemical variation, residue mobility, and thermodynamic stability) performed at Invitae indicates that this missense variant is not expected to disrupt GNB4 protein function with a negative predictive value of 80%. In summary, the available evidence is currently insufficient to determine the role of this variant in disease. Therefore, it has been classified as a Variant of Uncertain Significance.

Mayo Clinic Laboratories, Mayo Clinic
Classification: Uncertain significance. Last evaluated: 2023-01-26. Review status: criteria provided, single submitter. Criteria: ACMG Guidelines, 2015. Collection method: clinical testing. Allele origin: germline. Observed: 1 variant allele.

Ambry Genetics
Classification: Likely benign for Inborn genetic diseases. Last evaluated: 2022-09-06. Review status: criteria provided, single submitter. Criteria: Ambry Variant Classification Scheme 2023. Collection method: clinical testing. Allele origin: germline.